The following is an entry in ClinVar:

ClinVar aggregate classification (germline): Uncertain significance. Review status: criteria provided, multiple submitters, no conflicts (2 of 4 stars). 2 submissions from 2 submitters: Uncertain significance (2). Last evaluated 2025-10-06.

Conditions:
Early Myoclonic Encephalopathy. Identifiers: MedGen C0270855.
Inborn genetic diseases. Identifiers: MedGen C0950123, MeSH D030342.

Allele frequency attached by ClinVar (database versions not stated): gnomAD exomes 0.00001; TOPMed below 0.00001.
gnomAD v4.1: 19 of 1,613,930 alleles (0.0012%); highest among the groups gnomAD compares: Non-Finnish European, 0.0013%; no homozygotes.

Submissions (2):

Ambry Genetics
Classification: Uncertain significance for Inborn genetic diseases. Last evaluated: 2025-10-06. Review status: criteria provided, single submitter. Criteria: Ambry Variant Classification Scheme 2023. Collection method: clinical testing. Allele origin: germline.

Labcorp Genetics (formerly Invitae), Labcorp
Classification: Uncertain significance for Early Myoclonic Encephalopathy. Last evaluated: 2023-01-17. Review status: criteria provided, single submitter. Criteria: Invitae Variant Classification Sherloc (09022015). Collection method: clinical testing. Allele origin: germline.
Comment: This variant has not been reported in the literature in individuals affected with KCND2-related conditions. This sequence change replaces aspartic acid, which is acidic and polar, with histidine, which is basic and polar, at codon 90 of the KCND2 protein (p.Asp90His). This variant is not present in population databases (gnomAD no frequency). Advanced modeling of protein sequence and biophysical properties (such as structural, functional, and spatial information, amino acid conservation, physicochemical variation, residue mobility, and thermodynamic stability) performed at Invitae indicates that this missense variant is not expected to disrupt KCND2 protein function. In summary, the available evidence is currently insufficient to determine the role of this variant in disease. Therefore, it has been classified as a Variant of Uncertain Significance.

NM_012281.3(KCND2):c.268G>C (p.Asp90His)

Gene: KCND2 (potassium voltage-gated channel subfamily D member 2; plus strand). Cytogenetic location: 7q31.31.
Variant type: single nucleotide variant.
Coding change: c.268G>C on transcript NM_012281.3 (MANE Select); coding-DNA position 268, G replaced by C.
Protein change: p.Asp90His; replaces aspartic acid 90 with histidine.
Molecular consequence: missense variant.
Genome position (GRCh38, 1-based): chr7:120,274,900, G>C. VCF-style: chr7-120274900-G-C. GRCh37 (hg19) VCF-style: chr7-119914954-G-C.
Other names: c.268G>C (NM_012281.2); short protein forms D90H.
Identifiers: ClinVar variation 2730624 (VCV002730624.4), dbSNP rs1371124503, ClinGen allele CA369131214.
Genomic context (GRCh38, chr7:120,274,900, plus strand): 5'-TCTGAGAGGGACTTTTTCTACCACCCAGAAACTCAGCAGTATTTCTTTGACCGTGACCCA[G>C]ACATCTTCCGCCACATCCTGAATTTCTACCGCACTGGGAAGCTCCACTATCCTCGCCACG-3'
Protein context (NP_036413.1, residues 80-100): TQQYFFDRDP[Asp90His]IFRHILNFYR